The following is an entry in ClinVar:

NM_003072.5(SMARCA4):c.1096A>T (p.Ile366Phe)

Gene: SMARCA4 (SWI/SNF related BAF chromatin remodeling complex subunit ATPase 4; plus strand). Cytogenetic location: 19p13.2.
Variant type: single nucleotide variant.
Coding change: c.1096A>T on transcript NM_003072.5 (MANE Select); coding-DNA position 1096, A replaced by T.
Protein change: p.Ile366Phe; replaces isoleucine 366 with phenylalanine.
Molecular consequence: missense variant. On other transcripts: non-coding transcript variant (1).
Genome position (GRCh38, 1-based): chr19:10,987,902, A>T. VCF-style: chr19-10987902-A-T. GRCh37 (hg19) VCF-style: chr19-11098578-A-T.
Other names: c.1096A>T, p.Ile366Phe (NM_001128844.3, NM_001128845.2, NM_001128846.2 and 6 more transcripts); short protein forms I366F.
Identifiers: ClinVar variation 1790661 (VCV001790661.5), dbSNP rs1599972127, ClinGen allele CA404058885.

ClinVar aggregate classification (germline): Uncertain significance. Review status: criteria provided, multiple submitters, no conflicts (2 of 4 stars). 2 submissions from 2 submitters: Uncertain significance (2). Last evaluated 2025-08-26.

Conditions:
Hereditary cancer-predisposing syndrome. Also called: Hereditary Cancer Syndrome; Hereditary neoplastic syndrome; Tumor predisposition; Neoplastic Syndromes, Hereditary. Identifiers: Orphanet 140162, MedGen C0027672, MeSH D009386, MONDO:0015356.
Rhabdoid tumor predisposition syndrome 2 (RTPS2). Identifiers: Orphanet 231108, Orphanet 69077, MedGen C2750074, MONDO:0013224, OMIM 613325.

Submissions (2):

Labcorp Genetics (formerly Invitae), Labcorp
Classification: Uncertain significance for Rhabdoid tumor predisposition syndrome 2. Last evaluated: 2025-08-26. Review status: criteria provided, single submitter. Criteria: Invitae Variant Classification Sherloc (09022015). Collection method: clinical testing. Allele origin: germline.
Comment: This sequence change replaces isoleucine, which is neutral and non-polar, with phenylalanine, which is neutral and non-polar, at codon 366 of the SMARCA4 protein (p.Ile366Phe). This variant is not present in population databases (gnomAD no frequency). This missense change has been observed in individual(s) with a neurodevelopmental disorder (PMID: 37500730). ClinVar contains an entry for this variant (Variation ID: 1790661). Invitae Evidence Modeling of protein sequence and biophysical properties (such as structural, functional, and spatial information, amino acid conservation, physicochemical variation, residue mobility, and thermodynamic stability) has been performed for this missense variant. However, the output from this modeling did not meet the statistical confidence thresholds required to predict the impact of this variant on SMARCA4 protein function. In summary, the available evidence is currently insufficient to determine the role of this variant in disease. Therefore, it has been classified as a Variant of Uncertain Significance.

Ambry Genetics
Classification: Uncertain significance for Hereditary cancer-predisposing syndrome. Last evaluated: 2020-01-21. Review status: criteria provided, single submitter. Criteria: Ambry Variant Classification Scheme 2023. Collection method: clinical testing. Allele origin: germline.
Comment: The p.I366F variant (also known as c.1096A>T), located in coding exon 5 of the SMARCA4 gene, results from an A to T substitution at nucleotide position 1096. The isoleucine at codon 366 is replaced by phenylalanine, an amino acid with highly similar properties. This amino acid position is highly conserved in available vertebrate species. In addition, the in silico prediction for this alteration is inconclusive. Since supporting evidence is limited at this time, the clinical significance of this alteration remains unclear.

Literature cited by the submitters: PubMed 37500730 (cited by Labcorp Genetics (formerly Invitae), Labcorp).